The following is an entry in ClinVar:

NM_001164508.2(NEB):c.19635C>G (p.Tyr6545Ter)

Genes: NEB (nebulin; minus strand), LOC126806373 (BRD4-independent group 4 enhancer GRCh37_chr2:152410007-152411206; plus strand). Cytogenetic location: 2q23.3.
Variant type: single nucleotide variant.
Coding change: c.19635C>G on transcript NM_001164508.2 (MANE Select); coding-DNA position 19635, C replaced by G.
Protein change: p.Tyr6545Ter; replaces tyrosine 6545 with a stop codon.
Molecular consequence: nonsense.
Genome position (GRCh38, 1-based): chr2:151,553,494, G>C on the plus strand (C>G on the coding strand, the complement: NEB is on the minus strand). VCF-style: chr2-151553494-G-C. GRCh37 (hg19) VCF-style: chr2-152410008-G-C.
Other names: c.19635C>G, p.Tyr6545Ter (NM_001164507.2, NM_001271208.2); c.14532C>G, p.Tyr4844Ter (NM_004543.5); short protein forms Y4844*, Y6545*.
Identifiers: ClinVar variation 1391632 (VCV001391632.6), dbSNP rs1335300113, ClinGen allele CA348790288.

ClinVar aggregate classification (germline): Pathogenic (1 of 4 stars; one submission).

Conditions:
Nemaline myopathy 2 (NEM2). Also called: Nemaline myopathy 2, autosomal recessive. Identifiers: MedGen C1850569, MONDO:0009725, OMIM 256030.

Submission:

Labcorp Genetics (formerly Invitae), Labcorp
Classification: Pathogenic for Nemaline myopathy 2. Last evaluated: 2021-02-10. Review status: criteria provided, single submitter. Criteria: Invitae Variant Classification Sherloc (09022015). Collection method: clinical testing. Allele origin: germline.
Comment: For these reasons, this variant has been classified as Pathogenic. This variant has not been reported in the literature in individuals with NEB-related conditions. This variant is not present in population databases (ExAC no frequency). This sequence change creates a premature translational stop signal (p.Tyr6545*) in the NEB gene. It is expected to result in an absent or disrupted protein product. Loss-of-function variants in NEB are known to be pathogenic (PMID: 25205138).

Literature cited by the submitters: PubMed 25205138.